The following is an entry in ClinVar:

ClinVar aggregate classification (germline): Uncertain significance. Review status: criteria provided, multiple submitters, no conflicts (2 of 4 stars). 2 submissions from 2 submitters: Uncertain significance (2). Last evaluated 2024-10-03.

Conditions:
Hereditary diffuse gastric adenocarcinoma (HDGC). Also called: DIFFUSE GASTRIC AND LOBULAR BREAST CANCER SYNDROME. Identifiers: Orphanet 26106, MedGen C1708349, MONDO:0007648, OMIM 137215.
Hereditary cancer-predisposing syndrome. Also called: Tumor predisposition; Hereditary neoplastic syndrome; Neoplastic Syndromes, Hereditary; Hereditary Cancer Syndrome. Identifiers: Orphanet 140162, MedGen C0027672, MeSH D009386, MONDO:0015356.

Submissions (2):

Ambry Genetics
Classification: Uncertain significance for Hereditary cancer-predisposing syndrome. Last evaluated: 2024-10-03. Review status: criteria provided, single submitter. Criteria: Ambry Variant Classification Scheme 2023. Collection method: clinical testing. Allele origin: germline.
Comment: The p.S146F variant (also known as c.437C>T), located in coding exon 4 of the CDH1 gene, results from a C to T substitution at nucleotide position 437. The serine at codon 146 is replaced by phenylalanine, an amino acid with highly dissimilar properties. This amino acid position is not well conserved in available vertebrate species. In addition, this alteration is predicted to be tolerated by in silico analysis. Based on the available evidence, the clinical significance of this variant remains unclear.

European Reference Network on Genetic Tumour Risk Syndromes (ERN-GENTURIS), i3s - Instituto de Investigação e Inovação em Saúde, University of Porto
Classification: Uncertain significance for Hereditary diffuse gastric adenocarcinoma. Last evaluated: 2022-08-01. Review status: criteria provided, single submitter. Criteria: Lee et al. (Hum Mutat. 2018). Collection method: clinical testing. Allele origin: germline. Inheritance: Autosomal dominant inheritance. Affected: no. Study: ERN GENTURIS.
Comment: PM2 (PMID: 30311375)

Literature cited by the submitters: PubMed 36436516 (cited by Ambry Genetics and European Reference Network on Genetic Tumour Risk Syndromes (ERN-GENTURIS), i3s - Instituto de Investigação e Inovação em Saúde, University of Porto).

NM_004360.5(CDH1):c.437C>T (p.Ser146Phe)

Gene: CDH1 (cadherin 1; plus strand). Cytogenetic location: 16q22.1.
Variant type: single nucleotide variant.
Coding change: c.437C>T on transcript NM_004360.5 (MANE Select); coding-DNA position 437, C replaced by T.
Protein change: p.Ser146Phe; replaces serine 146 with phenylalanine.
Molecular consequence: missense variant. On other transcripts: 5 prime UTR variant (2).
Genome position (GRCh38, 1-based): chr16:68,808,473, C>T. VCF-style: chr16-68808473-C-T. GRCh37 (hg19) VCF-style: chr16-68842376-C-T.
Other names: c.437C>T, p.Ser146Phe (NM_001317184.2); c.-1179C>T (NM_001317185.2); c.-1383C>T (NM_001317186.2); short protein forms S146F.
Identifiers: ClinVar variation 2503038 (VCV002503038.2), dbSNP rs751425296, ClinGen allele CA396457618.
Genomic context (GRCh38, chr16:68,808,473, plus strand): 5'-TTTCCTTTTAGGCCTCCGTTTCTGGAATCCAAGCAGAATTGCTCACATTTCCCAACTCCT[C>T]TCCTGGCCTCAGAAGACAGAAGAGAGACTGGGTTATTCCTCCCATCAGCTGCCCAGAAAA-3'
Protein context (NP_004351.1, residues 136-156): QAELLTFPNS[Ser146Phe]PGLRRQKRDW